The following is an entry in ClinVar:

NM_001849.4(COL6A2):c.1117-3C>T

Gene: COL6A2 (collagen type VI alpha 2 chain; plus strand). Cytogenetic location: 21q22.3.
Variant type: single nucleotide variant.
Coding change: c.1117-3C>T on transcript NM_001849.4 (MANE Select); 3 bases into the intron before coding-DNA position 1117, C replaced by T.
Molecular consequence: intron variant.
Genome position (GRCh38, 1-based): chr21:46,118,611, C>T. VCF-style: chr21-46118611-C-T. GRCh37 (hg19) VCF-style: chr21-47538525-C-T.
Other names: c.1117-3C>T (NM_058175.3, NM_058174.3).
Identifiers: ClinVar variation 286451 (VCV000286451.14), dbSNP rs772428654, ClinGen allele CA10071708.

ClinVar aggregate classification (germline): Uncertain significance. Review status: criteria provided, multiple submitters, no conflicts (2 of 4 stars). 3 submissions from 3 submitters: Uncertain significance (3). Last evaluated 2025-09-28.

Conditions:
Bethlem myopathy 1A. Also called: Bethlem Muscular Dystrophy; MYOPATHY, BENIGN CONGENITAL, WITH CONTRACTURES; Bethlem myopathy 1. Identifiers: Orphanet 610, MedGen CN029274, MONDO:0024530, OMIM 158810.

Allele frequency attached by ClinVar (database versions not stated): gnomAD 0.00001; gnomAD exomes 0.00001 and 0.00002; ExAC 0.00002; TOPMed 0.00003.
gnomAD v4.1: 15 of 1,612,356 alleles (0.00093%); highest among the groups gnomAD compares: Admixed American, 0.017%; no homozygotes.

Submissions (3):

Labcorp Genetics (formerly Invitae), Labcorp
Classification: Uncertain significance for Bethlem myopathy 1A. Last evaluated: 2025-09-28. Review status: criteria provided, single submitter. Criteria: Invitae Variant Classification Sherloc (09022015). Collection method: clinical testing. Allele origin: germline.
Comment: This sequence change falls in intron 12 of the COL6A2 gene. It does not directly change the encoded amino acid sequence of the COL6A2 protein. It affects a nucleotide within the consensus splice site. This variant is present in population databases (rs772428654, gnomAD 0.01%). This variant has not been reported in the literature in individuals affected with COL6A2-related conditions. ClinVar contains an entry for this variant (Variation ID: 286451). Variants that disrupt the consensus splice site are a relatively common cause of aberrant splicing (PMID: 17576681, 9536098). Algorithms developed to predict the effect of sequence changes on RNA splicing suggest that this variant is not likely to affect RNA splicing. In summary, the available evidence is currently insufficient to determine the role of this variant in disease. Therefore, it has been classified as a Variant of Uncertain Significance.

Revvity Omics, Revvity
Classification: Uncertain significance. Last evaluated: 2025-03-04. Review status: criteria provided, single submitter. Criteria: ACMG Guidelines, 2015. Collection method: clinical testing. Allele origin: germline.

Eurofins Ntd Llc (ga)
Classification: Uncertain significance. Last evaluated: 2016-03-03. Review status: criteria provided, single submitter. Criteria: EGL Classification Definitions 2015. Collection method: clinical testing. Allele origin: germline. Observed: 1 variant allele, 1 heterozygote.

Literature cited by the submitters: PubMed 17576681 (cited by Labcorp Genetics (formerly Invitae), Labcorp); PubMed 9536098 (cited by Labcorp Genetics (formerly Invitae), Labcorp).